The following is an entry in ClinVar:

ClinVar aggregate classification (germline): Uncertain significance (1 of 4 stars; one submission).

Conditions:
Renal cell carcinoma. Identifiers: Orphanet 217071, MedGen C0007134, MeSH D002292, MONDO:0005086, HP:0005584.

Submission:

Labcorp Genetics (formerly Invitae), Labcorp
Classification: Uncertain significance for Renal cell carcinoma. Last evaluated: 2022-10-13. Review status: criteria provided, single submitter. Criteria: Invitae Variant Classification Sherloc (09022015). Collection method: clinical testing. Allele origin: germline.
Comment: In summary, the available evidence is currently insufficient to determine the role of this variant in disease. Therefore, it has been classified as a Variant of Uncertain Significance. This sequence change replaces threonine, which is neutral and polar, with asparagine, which is neutral and polar, at codon 676 of the MET protein (p.Thr676Asn). This variant is not present in population databases (gnomAD no frequency). This variant has not been reported in the literature in individuals affected with MET-related conditions. ClinVar contains an entry for this variant (Variation ID: 1376731). Advanced modeling of protein sequence and biophysical properties (such as structural, functional, and spatial information, amino acid conservation, physicochemical variation, residue mobility, and thermodynamic stability) performed at Invitae indicates that this missense variant is not expected to disrupt MET protein function.

NM_000245.4(MET):c.2027C>A (p.Thr676Asn)

Gene: MET (MET proto-oncogene, receptor tyrosine kinase; plus strand). Cytogenetic location: 7q31.2.
Variant type: single nucleotide variant.
Coding change: c.2027C>A on transcript NM_000245.4 (MANE Select); coding-DNA position 2027, C replaced by A.
Protein change: p.Thr676Asn; replaces threonine 676 with asparagine.
Molecular consequence: missense variant.
Genome position (GRCh38, 1-based): chr7:116,757,699, C>A. VCF-style: chr7-116757699-C-A. GRCh37 (hg19) VCF-style: chr7-116397753-C-A.
Other names: c.2027C>A, p.Thr676Asn (NM_001127500.3, NM_001324401.3); c.737C>A, p.Thr246Asn (NM_001324402.2); short protein forms T676N, T246N.
Identifiers: ClinVar variation 1376731 (VCV001376731.8), dbSNP rs2116924095, ClinGen allele CA368979821.